The following is an entry in ClinVar:

ClinVar aggregate classification (germline): Uncertain significance (1 of 4 stars; one submission).

Allele frequency attached by ClinVar (database versions not stated): TOPMed below 0.00001; gnomAD 0.00001; gnomAD exomes 0.00001.
gnomAD v4.1: 15 of 1,613,998 alleles (0.00093%); highest among the groups gnomAD compares: Non-Finnish European, 0.0011%; no homozygotes.

Submission:

Labcorp Genetics (formerly Invitae), Labcorp
Classification: Uncertain significance. Last evaluated: 2023-05-11. Review status: criteria provided, single submitter. Criteria: Invitae Variant Classification Sherloc (09022015). Collection method: clinical testing. Allele origin: germline.
Comment: In summary, the available evidence is currently insufficient to determine the role of this variant in disease. Therefore, it has been classified as a Variant of Uncertain Significance. Algorithms developed to predict the effect of sequence changes on RNA splicing suggest that this variant may create or strengthen a splice site. This variant has not been reported in the literature in individuals affected with SMARCA2-related conditions. This variant is present in population databases (rs776593407, gnomAD 0.0009%). This sequence change falls in intron 11 of the SMARCA2 gene. It does not directly change the encoded amino acid sequence of the SMARCA2 protein.

NM_003070.5(SMARCA2):c.1877+7C>T

Gene: SMARCA2 (SWI/SNF related BAF chromatin remodeling complex subunit ATPase 2; plus strand). Cytogenetic location: 9p24.3.
Variant type: single nucleotide variant.
Coding change: c.1877+7C>T on transcript NM_003070.5 (MANE Select); 7 bases into the intron after coding-DNA position 1877, C replaced by T.
Molecular consequence: intron variant.
Genome position (GRCh38, 1-based): chr9:2,073,349, C>T. VCF-style: chr9-2073349-C-T. GRCh37 (hg19) VCF-style: chr9-2073349-C-T.
Other names: c.1877+7C>T (NM_139045.4, NM_001289397.2, NM_001289396.2).
Identifiers: ClinVar variation 2785068 (VCV002785068.3), dbSNP rs776593407, ClinGen allele CA187927823.